The following is an entry in ClinVar:

ClinVar aggregate classification (germline): Uncertain significance (1 of 4 stars; one submission).

Allele frequency attached by ClinVar (database versions not stated): gnomAD 0.00002; TOPMed 0.00002.
gnomAD v4.1: 3 of 1,614,074 alleles (0.00019%); highest among the groups gnomAD compares: African/African-American, 0.004%; no homozygotes.

Submission:

Ambry Genetics
Classification: Uncertain significance. Last evaluated: 2022-03-03. Review status: criteria provided, single submitter. Criteria: Ambry Variant Classification Scheme 2023. Collection method: clinical testing. Allele origin: germline.
Comment: The p.V1043A variant (also known as c.3128T>C) is located in coding exon 19 of the PKP4 gene. The valine at codon 1043 is replaced by alanine, an amino acid with similar properties. This change occurs in the first base pair of coding exon 19. This amino acid position is conserved. In addition, this alteration is predicted to be tolerated by in silico analysis. Since supporting evidence is limited at this time, the clinical significance of this alteration remains unclear.

NM_003628.6(PKP4):c.3128T>C (p.Val1043Ala)

Genes: PKP4 (plakophilin 4; plus strand), PKP4-AS1 (PKP4 antisense RNA 1; minus strand). Cytogenetic location: 2q24.1.
Variant type: single nucleotide variant.
Coding change: c.3128T>C on transcript NM_003628.6 (MANE Select); coding-DNA position 3128, T replaced by C.
Protein change: p.Val1043Ala; replaces valine 1043 with alanine.
Molecular consequence: missense variant. On other transcripts: intron variant (3).
Genome position (GRCh38, 1-based): chr2:158,676,739, T>C. VCF-style: chr2-158676739-T-C. GRCh37 (hg19) VCF-style: chr2-159533251-T-C.
Other names: c.3125T>C, p.Val1042Ala (NM_001304969.3, NM_001377219.1, NM_001377220.1 and 1 more transcripts); c.2099T>C, p.Val700Ala (NM_001304970.3); c.3128T>C, p.Val1043Ala (NM_001377218.1); c.3122T>C, p.Val1041Ala (NM_001377222.1, NM_001377223.1); c.3119T>C, p.Val1040Ala (NM_001377224.1); c.3128-1842T>C (NM_001005476.4, NM_001377225.1); c.3125-1842T>C (NM_001377226.1); short protein forms V1040A, V1042A, V1041A, V1043A, V700A.
Identifiers: ClinVar variation 1727916 (VCV001727916.2), dbSNP rs1326417055, ClinGen allele CA348907308.